The following is an entry in ClinVar:

ClinVar aggregate classification (germline): Conflicting classifications of pathogenicity. Review status: criteria provided, conflicting classifications (1 of 4 stars). 7 submissions from 7 submitters: Uncertain significance (1); Benign (1); Likely benign (5). Last evaluated 2026-08-01.

Conditions:
Hereditary spherocytosis type 5. Also called: EPB42-Related Spherocytosis; EPB42-Related Hereditary Spherocytosis. Identifiers: Orphanet 822, MedGen C2675192, MONDO:0012985, OMIM 612690.

Allele frequency attached by ClinVar (database versions not stated): gnomAD exomes 0.00072 and 0.00133; ExAC 0.00124; gnomAD 0.00198 and 0.00205; ESP Exome Variant Server 0.00223; TOPMed 0.00266; 1000 Genomes Project 0.00280; 1000 Genomes Project 30x 0.00312.
gnomAD v4.1: 1,404 of 1,612,348 alleles (0.087%); highest among the groups gnomAD compares: African/African-American, 0.5%; 6 homozygotes.

Submissions (7):

CeGaT Center for Human Genetics Tuebingen
Classification: Likely benign. Last evaluated: 2026-08-01. Review status: criteria provided, single submitter. Criteria: CeGaT Center For Human Genetics Tuebingen Variant Classification Criteria Version 2. Collection method: clinical testing. Allele origin: germline. Affected: yes. Observed: 1 variant allele.
Comment: EPB42: BP4, BP7

Labcorp Genetics (formerly Invitae), Labcorp
Classification: Benign. Last evaluated: 2026-01-26. Review status: criteria provided, single submitter. Criteria: Invitae Variant Classification Sherloc (09022015). Collection method: clinical testing. Allele origin: germline.

ARUP Laboratories, Molecular Genetics and Genomics, ARUP Laboratories
Classification: Likely benign for Hereditary spherocytosis type 5. Last evaluated: 2025-06-19. Review status: criteria provided, single submitter. Criteria: ARUP Molecular Germline Variant Investigation Process 2024. Collection method: clinical testing. Allele origin: germline.

Mayo Clinic Laboratories, Mayo Clinic
Classification: Likely benign. Last evaluated: 2025-06-17. Review status: criteria provided, single submitter. Criteria: ACMG Guidelines, 2015. Collection method: clinical testing. Allele origin: germline. Observed: 8 variant alleles.
Comment: BP4, BP7

Blueprint Genetics
Classification: Likely benign. Last evaluated: 2024-11-21. Review status: criteria provided, single submitter. Criteria: ACMG Guidelines, 2015. Collection method: clinical testing. Allele origin: germline.

Illumina Laboratory Services, Illumina
Classification: Uncertain significance for Hereditary spherocytosis type 5. Last evaluated: 2018-01-13. Review status: criteria provided, single submitter. Criteria: ICSL Variant Classification Criteria 13 December 2019. Collection method: clinical testing. Allele origin: germline.

PreventionGenetics, part of Exact Sciences
Classification: Likely benign. Review status: criteria provided, single submitter. Criteria: ACMG Guidelines, 2015. Collection method: clinical testing. Allele origin: germline.

NM_001114134.2(EPB42):c.453T>C (p.Asn151=)

Gene: EPB42 (erythrocyte membrane protein band 4.2; minus strand). Cytogenetic location: 15q15.2.
Variant type: single nucleotide variant.
Coding change: c.453T>C on transcript NM_001114134.2 (MANE Select); coding-DNA position 453, T replaced by C.
Protein change: p.Asn151=; no amino-acid change (asparagine 151 retained).
Molecular consequence: synonymous variant.
Genome position (GRCh38, 1-based): chr15:43,211,512, A>G on the plus strand (T>C on the coding strand, the complement: EPB42 is on the minus strand). VCF-style: chr15-43211512-A-G. GRCh37 (hg19) VCF-style: chr15-43503710-A-G.
Other names: p.Asn181=; c.543T>C, p.Asn181= (NM_000119.3).
Identifiers: ClinVar variation 255154 (VCV000255154.26), dbSNP rs114136713, ClinGen allele CA7520606.